The following is an entry in ClinVar:

NM_000179.3(MSH6):c.698C>G (p.Pro233Arg)

Gene: MSH6 (mutS homolog 6; plus strand). Cytogenetic location: 2p16.3.
Variant type: single nucleotide variant.
Coding change: c.698C>G on transcript NM_000179.3 (MANE Select); coding-DNA position 698, C replaced by G.
Protein change: p.Pro233Arg; replaces proline 233 with arginine.
Molecular consequence: missense variant. On other transcripts: 5 prime UTR variant (2).
Genome position (GRCh38, 1-based): chr2:47,798,681, C>G. VCF-style: chr2-47798681-C-G. GRCh37 (hg19) VCF-style: chr2-48025820-C-G.
Other names: p.P233R:CCT>CGT; c.308C>G, p.Pro103Arg (NM_001281492.2); c.-209C>G (NM_001281493.2, NM_001281494.2); short protein forms P233R, P103R.
Identifiers: ClinVar variation 142525 (VCV000142525.23), dbSNP rs142949377, ClinGen allele CA016269.

ClinVar aggregate classification (germline): Conflicting classifications of pathogenicity. Review status: criteria provided, conflicting classifications (1 of 4 stars). 8 submissions from 8 submitters: Uncertain significance (6); Likely benign (1). 1 of the submissions does not count toward it. Last evaluated 2025-03-16.

Conditions:
Hereditary nonpolyposis colorectal neoplasms. Identifiers: MedGen C0009405, MeSH D003123.
Hereditary cancer-predisposing syndrome. Also called: Hereditary Cancer Syndrome; Neoplastic Syndromes, Hereditary; Hereditary neoplastic syndrome; Tumor predisposition. Identifiers: Orphanet 140162, MedGen C0027672, MeSH D009386, MONDO:0015356.
Lynch syndrome. Identifiers: Orphanet 144, MedGen C4552100, MONDO:0005835. Disease mechanism: loss of function.
Lynch syndrome 5 (LYNCH5). Also called: Colorectal cancer, hereditary nonpolyposis, type 5; Hereditary non-polyposis colorectal cancer, type 5. Identifiers: Orphanet 144, MedGen C1833477, MONDO:0013710, OMIM 614350. Disease mechanism: loss of function.
Endometrial carcinoma. Also called: Endometrial carcinoma, somatic. Identifiers: MedGen C0476089, MONDO:0002447, OMIM 608089, HP:0012114.

Allele frequency attached by ClinVar (database versions not stated): gnomAD exomes below 0.00001; TOPMed 0.00001; ESP Exome Variant Server 0.00008.

Submissions (8):

Labcorp Genetics (formerly Invitae), Labcorp
Classification: Likely benign for Hereditary nonpolyposis colorectal neoplasms. Last evaluated: 2025-03-16. Review status: criteria provided, single submitter. Criteria: Invitae Variant Classification Sherloc (09022015). Collection method: clinical testing. Allele origin: germline.

Ambry Genetics
Classification: Uncertain significance for Hereditary cancer-predisposing syndrome. Last evaluated: 2024-02-25. Review status: criteria provided, single submitter. Criteria: Ambry Variant Classification Scheme 2023. Collection method: clinical testing. Allele origin: germline.
Comment: The p.P233R variant (also known as c.698C>G), located in coding exon 4 of the MSH6 gene, results from a C to G substitution at nucleotide position 698. The proline at codon 233 is replaced by arginine, an amino acid with dissimilar properties. In one study, this variant was detected in 0/165 colorectal cancer and/or polyposis patients and was identified in 1/2512 control individuals from a healthy population database (Rosenthal EA et al. Hum Genet, 2018 Oct;137:795-806). This amino acid position is not well conserved in available vertebrate species. In addition, the in silico prediction for this alteration is inconclusive. Since supporting evidence is limited at this time, the clinical significance of this alteration remains unclear.

All of Us Research Program, National Institutes of Health
Classification: Uncertain significance for Lynch syndrome. Last evaluated: 2023-11-28. Review status: criteria provided, single submitter. Criteria: ACMG Guidelines, 2015. Collection method: clinical testing. Allele origin: germline. Inheritance: Autosomal dominant inheritance. Observed: 1 variant allele, 1 heterozygote.
Comment: This missense variant replaces proline with arginine at codon 233 of the MSH6 protein. Computational prediction suggests that this variant may not impact protein structure and function (internally defined REVEL score threshold <= 0.5, PMID: 27666373). To our knowledge, functional studies have not been reported for this variant. This variant has not been reported in individuals affected with hereditary cancer in the literature. This variant has been identified in 1/250858 chromosomes in the general population by the Genome Aggregation Database (gnomAD). The available evidence is insufficient to determine the role of this variant in disease conclusively. Therefore, this variant is classified as a Variant of Uncertain Significance.

This study involves interpretation of variants in research participants for the purpose of population health screening. Participant phenotype was not available at the time of variant classification. Additional details can be found in publication PMID: 35346344, PMCID: PMC8962531

Baylor Genetics
Classification: Uncertain significance for Endometrial carcinoma. Last evaluated: 2023-09-20. Review status: criteria provided, single submitter. Criteria: ACMG Guidelines, 2015. Collection method: clinical testing. Allele origin: unknown.

Color Diagnostics, LLC DBA Color Health
Classification: Uncertain significance for Hereditary cancer-predisposing syndrome. Last evaluated: 2023-06-27. Review status: criteria provided, single submitter. Criteria: ACMG Guidelines, 2015. Collection method: clinical testing. Allele origin: germline.
Comment: This missense variant replaces proline with arginine at codon 233 of the MSH6 protein. Computational prediction suggests that this variant may not impact protein structure and function (internally defined REVEL score threshold <= 0.5, PMID: 27666373). Splice site prediction tools suggest that this variant may impact RNA splicing. To our knowledge, functional studies have not been reported for this variant. This variant has not been reported in individuals affected with MSH6-related disorders in the literature. This variant has been identified in 1/250858 chromosomes in the general population by the Genome Aggregation Database (gnomAD). The available evidence is insufficient to determine the role of this variant in disease conclusively. Therefore, this variant is classified as a Variant of Uncertain Significance.

Myriad Genetics, Inc.
Classification: Uncertain significance for Lynch syndrome 5. Last evaluated: 2023-03-29. Review status: criteria provided, single submitter. Criteria: Myriad Autosomal Dominant, Autosomal Recessive and X-Linked Classification Criteria (2023). Collection method: clinical testing. Allele origin: unknown.
Comment: This variant is classified as a variant of uncertain significance as there is insufficient evidence to determine its impact on protein function and/or cancer risk.

GeneDx
Classification: Uncertain significance. Last evaluated: 2018-06-14. Review status: criteria provided, single submitter. Criteria: GeneDx Variant Classification (06012015). Collection method: clinical testing. Allele origin: germline. Affected: yes.
Comment: This variant is denoted MSH6 c.698C>G at the cDNA level, p.Pro233Arg (P233R) at the protein level, and results in the change of a Proline to an Arginine (CCT>CGT). The variant was predicted by Terui et al. (2013) to have no impact on MSH6 based on a bioinformatics tool integrating in silico models with clinical and molecular data. MSH6 Pro233Arg was not observed at a significant allele frequency in large population cohorts (Lek 2016). This variant is located in the nuclear localization signals (Gassman 2011). In silico analysis, which includes protein predictors and evolutionary conservation, supports that this variant does not alter protein structure/function. Based on currently available evidence, it is unclear whether MSH6 Pro233Arg is a pathogenic or benign variant. We consider it to be a variant of uncertain significance.

Counsyl
Classification: Uncertain significance for Lynch syndrome 5. Last evaluated: 2018-05-25. Review status: no assertion criteria provided. Collection method: clinical testing. Allele origin: unknown. Not counted in ClinVar's aggregate classification.

Literature cited by the submitters: PubMed 30267214 (cited by Ambry Genetics).